The following is an entry in ClinVar:

ClinVar aggregate classification (germline): Uncertain significance (1 of 4 stars; one submission).

Conditions:
Pseudohypoaldosteronism type 2C (PHA2C). Also called: Pseudohypoaldosteronism Type IIC. Identifiers: Orphanet 757, Orphanet 88940, MedGen C1840391, MONDO:0013778, OMIM 614492.
Neuropathy, hereditary sensory and autonomic, type 2A (HSAN2A). Also called: MORVAN DISEASE; NEUROPATHY, CONGENITAL SENSORY; NEUROPATHY, HEREDITARY SENSORY RADICULAR, AUTOSOMAL RECESSIVE; NEUROPATHY, HEREDITARY SENSORY, TYPE IIA; NEUROPATHY, PROGRESSIVE SENSORY, OF CHILDREN; WNK1-Related HSAN2 (HSAN2A). Identifiers: Orphanet 970, MedGen C2752089, MONDO:0024309, OMIM 201300.

Allele frequency attached by ClinVar (database versions not stated): TOPMed below 0.00001; gnomAD 0.00001; gnomAD exomes 0.00001; ExAC 0.00002.
gnomAD v4.1: 14 of 1,613,970 alleles (0.00087%); highest among the groups gnomAD compares: East Asian, 0.0045%; no homozygotes.

Submission:

Labcorp Genetics (formerly Invitae), Labcorp
Classification: Uncertain significance for Neuropathy, hereditary sensory and autonomic, type 2A; Pseudohypoaldosteronism type 2C. Last evaluated: 2025-08-14. Review status: criteria provided, single submitter. Criteria: Invitae Variant Classification Sherloc (09022015). Collection method: clinical testing. Allele origin: germline.
Comment: This sequence change replaces valine, which is neutral and non-polar, with isoleucine, which is neutral and non-polar, at codon 1338 of the WNK1 protein (p.Val1338Ile). This variant is present in population databases (rs750958116, gnomAD 0.007%). This variant has not been reported in the literature in individuals affected with WNK1-related conditions. ClinVar contains an entry for this variant (Variation ID: 845427). Invitae Evidence Modeling of protein sequence and biophysical properties (such as structural, functional, and spatial information, amino acid conservation, physicochemical variation, residue mobility, and thermodynamic stability) indicates that this missense variant is not expected to disrupt WNK1 protein function with a negative predictive value of 95%. In summary, the available evidence is currently insufficient to determine the role of this variant in disease. Therefore, it has been classified as a Variant of Uncertain Significance.

NM_018979.4(WNK1):c.3256G>A (p.Val1086Ile)

Gene: WNK1 (WNK lysine deficient protein kinase 1; plus strand). Cytogenetic location: 12p13.33.
Variant type: single nucleotide variant.
Coding change: c.3256G>A on transcript NM_018979.4 (MANE Select); coding-DNA position 3256, G replaced by A.
Protein change: p.Val1086Ile; replaces valine 1086 with isoleucine.
Molecular consequence: missense variant.
Genome position (GRCh38, 1-based): chr12:881,957, G>A. VCF-style: chr12-881957-G-A. GRCh37 (hg19) VCF-style: chr12-991123-G-A.
Other names: c.4036G>A, p.Val1346Ile (NM_001184985.2); c.2515G>A, p.Val839Ile (NM_014823.3); c.4012G>A, p.Val1338Ile (NM_213655.5); short protein forms V1086I, V839I, V1338I, V1346I.
Identifiers: ClinVar variation 845427 (VCV000845427.9), dbSNP rs750958116, ClinGen allele CA6382725.